The following is an entry in ClinVar:

NM_000173.7(GP1BA):c.597G>A (p.Ser199=)

Gene: GP1BA (glycoprotein Ib platelet subunit alpha; plus strand). Cytogenetic location: 17p13.2.
Variant type: single nucleotide variant.
Coding change: c.597G>A on transcript NM_000173.7 (MANE Select); coding-DNA position 597, G replaced by A.
Protein change: p.Ser199=; no amino-acid change (serine 199 retained).
Molecular consequence: synonymous variant.
Genome position (GRCh38, 1-based): chr17:4,933,201, G>A. VCF-style: chr17-4933201-G-A. GRCh37 (hg19) VCF-style: chr17-4836496-G-A.
Identifiers: ClinVar variation 3036754 (VCV003036754.3), dbSNP rs770552079, ClinGen allele CA8314805.

ClinVar aggregate classification (germline): Likely benign. Review status: criteria provided, single submitter (1 of 4 stars). 2 submissions from 2 submitters: Likely benign (1). 1 of the submissions does not count toward it. Last evaluated 2024-11-21.

Conditions:
GP1BA-related disorder. Also called: GP1BA-related condition.

Allele frequency attached by ClinVar (database versions not stated): ExAC 0.00003; TOPMed 0.00009.
gnomAD v4.1: 66 of 1,613,826 alleles (0.0041%); highest among the groups gnomAD compares: East Asian, 0.02%; no homozygotes.

Submissions (2):

Blueprint Genetics
Classification: Likely benign. Last evaluated: 2024-11-21. Review status: criteria provided, single submitter. Criteria: ACMG Guidelines, 2015. Collection method: clinical testing. Allele origin: germline.

PreventionGenetics, part of Exact Sciences
Classification: Likely benign for GP1BA-related condition. Last evaluated: 2021-03-17. Review status: no assertion criteria provided. Collection method: clinical testing. Allele origin: germline. Not counted in ClinVar's aggregate classification.
Comment: This variant is classified as likely benign based on ACMG/AMP sequence variant interpretation guidelines (Richards et al. 2015 PMID: 25741868, with internal and published modifications).